The following is an entry in ClinVar:

NM_006231.4(POLE):c.3275+92T>C

Gene: POLE (DNA polymerase epsilon, catalytic subunit; minus strand). Cytogenetic location: 12q24.33.
Variant type: single nucleotide variant.
Coding change: c.3275+92T>C on transcript NM_006231.4 (MANE Select); 92 bases into the intron after coding-DNA position 3275, T replaced by C.
Molecular consequence: intron variant.
Genome position (GRCh38, 1-based): chr12:132,659,203, A>G on the plus strand (T>C on the coding strand, the complement: POLE is on the minus strand). VCF-style: chr12-132659203-A-G. GRCh37 (hg19) VCF-style: chr12-133235789-A-G.
Identifiers: ClinVar variation 676499 (VCV000676499.2), dbSNP rs5744867, ClinGen allele CA13680137.

ClinVar aggregate classification (germline): Benign. Review status: criteria provided, multiple submitters, no conflicts (2 of 4 stars). 2 submissions from 2 submitters: Benign (2). Last evaluated 2018-06-20.

Allele frequency attached by ClinVar (database versions not stated): gnomAD 0.52689; TOPMed 0.54806; 1000 Genomes Project 0.60284; 1000 Genomes Project 30x 0.60775.
gnomAD v4.1: 615,989 of 1,312,338 alleles (47%); highest among the groups gnomAD compares: African/African-American, 71%; 148,197 homozygotes.

Submissions (2):

GeneDx
Classification: Benign. Last evaluated: 2018-06-20. Review status: criteria provided, single submitter. Criteria: GeneDx Variant Classification (06012015). Collection method: clinical testing. Allele origin: germline. Affected: yes.
Comment: This variant is considered likely benign or benign based on one or more of the following criteria: it is a conservative change, it occurs at a poorly conserved position in the protein, it is predicted to be benign by multiple in silico algorithms, and/or has population frequency not consistent with disease.

Breakthrough Genomics
Classification: Benign. Review status: criteria provided, single submitter. Criteria: ACMG Guidelines, 2015. Collection method: not provided. Allele origin: germline. Inheritance: Autosomal recessive inheritance. Affected: yes.